The following is an entry in ClinVar:

ClinVar aggregate classification (germline): Likely benign. Review status: criteria provided, multiple submitters, no conflicts (2 of 4 stars). 4 submissions from 4 submitters: Likely benign (4). Last evaluated 2024-11-26.

Conditions:
Saldino-Mainzer syndrome (SRTD9). Also called: Renal dysplasia, retinal pigmentary dystrophy, cerebellar ataxia and skeletal dysplasia; short-rib thoracic dysplasia 9 with or without polydactyly; CONORENAL SYNDROME; SHORT-RIB THORACIC DYSPLASIA 9 WITHOUT POLYDACTYLY. Identifiers: Orphanet 140969, MedGen C1849437, MONDO:0009964, OMIM 266920.

Allele frequency attached by ClinVar (database versions not stated): gnomAD 0.00025 and 0.00044; TOPMed 0.00031; ESP Exome Variant Server 0.00038; gnomAD exomes 0.00051 and 0.00073; ExAC 0.00093; 1000 Genomes Project 0.00120; 1000 Genomes Project 30x 0.00141.
gnomAD v4.1: 813 of 1,610,274 alleles (0.05%); highest among the groups gnomAD compares: South Asian, 0.47%; 9 homozygotes.

Submissions (4):

Blueprint Genetics
Classification: Likely benign. Last evaluated: 2024-11-26. Review status: criteria provided, single submitter. Criteria: ACMG Guidelines, 2015. Collection method: clinical testing. Allele origin: germline.

Illumina Laboratory Services, Illumina
Classification: Likely benign for Saldino-Mainzer syndrome. Last evaluated: 2018-01-13. Review status: criteria provided, single submitter. Criteria: ICSL Variant Classification Criteria 13 December 2019. Collection method: clinical testing. Allele origin: germline.
Comment: This variant was observed in the ICSL laboratory as part of a predisposition screen in an ostensibly healthy population. It had not been previously curated by ICSL or reported in the Human Gene Mutation Database (HGMD: prior to June 1st, 2018), and was therefore a candidate for classification through an automated scoring system. Utilizing variant allele frequency, disease prevalence and penetrance estimates, and inheritance mode, an automated score was calculated to assess if this variant is too frequent to cause the disease. Based on the score and internal cut-off values, a variant classified as likely benign is not then subjected to further curation. The score for this variant resulted in a classification of likely benign for this disease.

Eurofins Ntd Llc (ga)
Classification: Likely benign. Last evaluated: 2015-06-18. Review status: criteria provided, single submitter. Criteria: EGL Classification Definitions 2015. Collection method: clinical testing. Allele origin: germline. Observed: 1 variant allele, 1 heterozygote.

Breakthrough Genomics
Classification: Likely benign. Review status: criteria provided, single submitter. Criteria: ACMG Guidelines, 2015. Collection method: not provided. Allele origin: germline. Inheritance: Autosomal recessive inheritance. Affected: yes.

NM_014714.4(IFT140):c.*2G>A

Gene: IFT140 (intraflagellar transport 140; minus strand). Cytogenetic location: 16p13.3.
Variant type: single nucleotide variant.
Coding change: c.*2G>A on transcript NM_014714.4 (MANE Select); 2 bases downstream of the stop codon, G replaced by A.
Molecular consequence: 3 prime UTR variant.
Genome position (GRCh38, 1-based): chr16:1,510,942, C>T on the plus strand (G>A on the coding strand, the complement: IFT140 is on the minus strand). VCF-style: chr16-1510942-C-T. GRCh37 (hg19) VCF-style: chr16-1560943-C-T.
Identifiers: ClinVar variation 281447 (VCV000281447.11), dbSNP rs144879630, ClinGen allele CA7812758.
Genomic context (GRCh38, chr16:1,510,942, plus strand): 5'-GACAAAAAAATTCCAGAAGATGCCTTTCTGCAGCAGCACGCTGGTCCTGGGGCCCAGGCC[C>T]CTCAGGGGTCGTCATCTGCCTCTTCCACCACCTCCTCGTCCAGCTCCCTGGCGTCCTCCA-3'